The following is an entry in ClinVar:

NM_139215.3(TAF15):c.1563C>T (p.Gly521=)

Gene: TAF15 (TATA-box binding protein associated factor 15; plus strand). Cytogenetic location: 17q12.
Variant type: single nucleotide variant.
Coding change: c.1563C>T on transcript NM_139215.3 (MANE Select); coding-DNA position 1563, C replaced by T.
Protein change: p.Gly521=; no amino-acid change (glycine 521 retained).
Molecular consequence: synonymous variant.
Genome position (GRCh38, 1-based): chr17:35,844,862, C>T. VCF-style: chr17-35844862-C-T. GRCh37 (hg19) VCF-style: chr17-34171866-C-T.
Other names: c.1554C>T, p.Gly518= (NM_003487.4).
Identifiers: ClinVar variation 3388269 (VCV003388269.14).

ClinVar aggregate classification (germline): Likely benign (1 of 4 stars; one submission).

gnomAD v4.1: 20 of 1,609,326 alleles (0.0012%); highest among the groups gnomAD compares: South Asian, 0.0099%; no homozygotes.

Submission:

CeGaT Center for Human Genetics Tuebingen
Classification: Likely benign. Last evaluated: 2025-02-01. Review status: criteria provided, single submitter. Criteria: CeGaT Center For Human Genetics Tuebingen Variant Classification Criteria Version 2. Collection method: clinical testing. Allele origin: germline. Affected: yes. Observed: 2 variant alleles.
Comment: TAF15: BP4, BP7